The following is an entry in ClinVar:

ClinVar aggregate classification (germline): Uncertain significance (1 of 4 stars; one submission).

Allele frequency attached by ClinVar (database versions not stated): TOPMed 0.00001.
gnomAD v4.1: 5 of 1,612,552 alleles (0.00031%); highest among the groups gnomAD compares: Non-Finnish European, 0.00042%; no homozygotes.

Submission:

Labcorp Genetics (formerly Invitae), Labcorp
Classification: Uncertain significance. Last evaluated: 2022-04-12. Review status: criteria provided, single submitter. Criteria: Invitae Variant Classification Sherloc (09022015). Collection method: clinical testing. Allele origin: germline.
Comment: In summary, the available evidence is currently insufficient to determine the role of this variant in disease. Therefore, it has been classified as a Variant of Uncertain Significance. Variants that disrupt the consensus splice site are a relatively common cause of aberrant splicing (PMID: 17576681, 9536098). Algorithms developed to predict the effect of sequence changes on RNA splicing suggest that this variant is not likely to affect RNA splicing. This sequence change falls in intron 4 of the USB1 gene. It does not directly change the encoded amino acid sequence of the USB1 protein. It affects a nucleotide within the consensus splice site. This variant is not present in population databases (gnomAD no frequency). This variant has not been reported in the literature in individuals affected with USB1-related conditions.

Literature cited by the submitters: PubMed 17576681; PubMed 9536098.

NM_024598.4(USB1):c.503+4G>C

Gene: USB1 (U6 snRNA biogenesis phosphodiesterase 1; plus strand). Cytogenetic location: 16q21.
Variant type: single nucleotide variant.
Coding change: c.503+4G>C on transcript NM_024598.4 (MANE Select); 4 bases into the intron after coding-DNA position 503, G replaced by C.
Molecular consequence: intron variant.
Genome position (GRCh38, 1-based): chr16:58,014,330, G>C. VCF-style: chr16-58014330-G-C. GRCh37 (hg19) VCF-style: chr16-58048234-G-C.
Other names: c.350+4G>C (NM_001330568.2); c.450-3004G>C (NM_001195302.2).
Identifiers: ClinVar variation 2420455 (VCV002420455.6), dbSNP rs1048756442, ClinGen allele CA281636885.